The following is an entry in ClinVar:

NM_004725.4(BUB3):c.145A>C (p.Met49Leu)

Gene: BUB3 (BUB3 mitotic checkpoint protein; plus strand). Cytogenetic location: 10q26.13.
Variant type: single nucleotide variant.
Coding change: c.145A>C on transcript NM_004725.4 (MANE Select); coding-DNA position 145, A replaced by C.
Protein change: p.Met49Leu; replaces methionine 49 with leucine.
Molecular consequence: missense variant.
Genome position (GRCh38, 1-based): chr10:123,155,062, A>C. VCF-style: chr10-123155062-A-C. GRCh37 (hg19) VCF-style: chr10-124914578-A-C.
Other names: c.145A>C, p.Met49Leu (NM_001007793.3); short protein forms M49L.
Identifiers: ClinVar variation 1773112 (VCV001773112.2), dbSNP rs758572057, ClinGen allele CA378625030.

ClinVar aggregate classification (germline): Uncertain significance (1 of 4 stars; one submission).

Submission:

Ambry Genetics
Classification: Uncertain significance. Last evaluated: 2022-08-07. Review status: criteria provided, single submitter. Criteria: Ambry Variant Classification Scheme 2023. Collection method: clinical testing. Allele origin: germline.
Comment: The p.M49L variant (also known as c.145A>C), located in coding exon 1 of the BUB3 gene, results from an A to C substitution at nucleotide position 145. The methionine at codon 49 is replaced by leucine, an amino acid with highly similar properties. This amino acid position is conserved. In addition, this alteration is predicted to be tolerated by in silico analysis. Since supporting evidence is limited at this time, the clinical significance of this alteration remains unclear.